The following is an entry in ClinVar:

NM_002880.4(RAF1):c.1837C>G (p.Leu613Val)

Gene: RAF1 (Raf-1 proto-oncogene, serine/threonine kinase; minus strand). Cytogenetic location: 3p25.2.
Variant type: single nucleotide variant.
Coding change: c.1837C>G on transcript NM_002880.4 (MANE Select); coding-DNA position 1837, C replaced by G.
Protein change: p.Leu613Val; replaces leucine 613 with valine.
Molecular consequence: missense variant. On other transcripts: non-coding transcript variant (3).
Genome position (GRCh38, 1-based): chr3:12,584,624, G>C on the plus strand (C>G on the coding strand, the complement: RAF1 is on the minus strand). VCF-style: chr3-12584624-G-C. GRCh37 (hg19) VCF-style: chr3-12626123-G-C.
Other names: p.L613V:CTA>GTA; NM_002880.3(RAF1):c.1837C>G; NM_002880.4(RAF1):c.1837C>G; c.1897C>G, p.Leu633Val (NM_001354689.3); c.1837C>G, p.Leu613Val (NM_001354690.3); c.1594C>G, p.Leu532Val (NM_001354691.3, NM_001354692.3); c.1738C>G, p.Leu580Val (NM_001354693.3); c.1654C>G, p.Leu552Val (NM_001354694.3); and 1 more; short protein forms L613V, L633V, L499V, L580V, L552V, L532V.
Identifiers: ClinVar variation 13960 (VCV000013960.32), dbSNP rs80338797, ClinGen allele CA257066.
Genomic context (GRCh38, chr3:12,584,624, plus strand): 5'-CCTCAGTGTGGGCTGCCCGATGCAAGGATGGCTCGGAAGCGCTCCGGTTGATCTTCGGTA[G>C]AGAGTGTTGGAGCAGCTCAATGGAAGACAGGATCTGAAACAAAGCCCAAGAATGCTCTCA-3'
Protein context (NP_002871.1, residues 603-623): LSSIELLQHS[Leu613Val]PKINRSASEP

ClinVar aggregate classification (germline): Pathogenic. Review status: reviewed by expert panel (3 of 4 stars). 13 submissions from 12 submitters: Pathogenic (1). 12 of the submissions do not count toward it. Last evaluated 2024-12-03.

Conditions:
Noonan syndrome with multiple lentigines. Identifiers: Orphanet 500, MedGen C0175704, MONDO:0007893.
Noonan syndrome (NS). Also called: Noonan's syndrome. Identifiers: Orphanet 648, MedGen C0028326, MeSH D009634, MONDO:0018997. Disease mechanism: gain of function.
RASopathy. Also called: rasopathies; Noonan spectrum disorder. Identifiers: Orphanet 536391, MedGen C5555857, MONDO:0021060.
Hypertrophic cardiomyopathy 1 (CMH1). Also called: MYH7-Related Familial Hypertrophic Cardiomyopathy; Familial hypertrophic cardiomyopathy 1. Identifiers: MedGen C3495498, MONDO:0008647, OMIM 192600.
RAF1-related disorder. Also called: RAF1-related disorders; RAF1-related condition.
Noonan syndrome 5 (NS5). Also called: RAF1-Related Noonan Syndrome. Identifiers: Orphanet 648, MedGen C1969057, MONDO:0012690, OMIM 611553. Disease mechanism: gain of function.
LEOPARD syndrome 2 (LPRD2). Also called: RAF1-Related LEOPARD Syndrome. Identifiers: Orphanet 500, MedGen C1969056, MONDO:0012691, OMIM 611554.

Submissions (13):

ClinGen RASopathy Variant Curation Expert Panel
Classification: Pathogenic for RASopathy. Last evaluated: 2024-12-03. Review status: reviewed by expert panel. Criteria: ClinGen RASopathy ACMG Specifications RAF1 V2.3.0. Collection method: curation. Allele origin: germline. Inheritance: Autosomal dominant inheritance.
Comment: The c.1837C>G (p.Leu613Val) variant in the RAF1 gene is a missense variant predicted to cause substitution of leucine by valine at amino acid 613. This variant is absent from gnomAD v2 (PM2_Supporting). The variant has been reported in at least one confirmed de novo case in an individual with clinical features of a RASopathy (PS2_VeryStrong; PMID:17603483), and its prevalence in affecteds is statistically increased over controls (PS4). In vitro functional studies also provide some evidence that the p.Leu613Val variant may impact protein function (PS3; PMID: 7603482, 17603483, 22826437). In summary, this variant meets criteria to be classified as pathogenic for autosomal dominant RASopathies based on ACMG/AMP criteria applied, as specified by the ClinGen RASopathy Variant Curation Expert Panel: PS2_VeryStrong, PS4, PS3_Moderate, PM2_Supporting. (Specification Version 2.3, 12/3/2024)

Labcorp Genetics (formerly Invitae), Labcorp
Classification: Pathogenic for RASopathy. Last evaluated: 2025-03-16. Review status: criteria provided, single submitter. Criteria: Invitae Variant Classification Sherloc (09022015). Collection method: clinical testing. Allele origin: germline. Not counted in ClinVar's aggregate classification.
Comment: This sequence change replaces leucine, which is neutral and non-polar, with valine, which is neutral and non-polar, at codon 613 of the RAF1 protein (p.Leu613Val). This variant is not present in population databases (gnomAD no frequency). This missense change has been observed in individual(s) with Noonan syndrome (PMID: 17603482, 17603483, 18241070, 19953625). In at least one individual the variant was observed to be de novo. ClinVar contains an entry for this variant (Variation ID: 13960). Invitae Evidence Modeling incorporating data from in vitro experimental studies (internal data) indicates that this missense variant is expected to disrupt RAF1 function with a positive predictive value of 95%. Experimental studies have shown that this missense change affects RAF1 function (PMID: 17603482, 17603483). For these reasons, this variant has been classified as Pathogenic.

PreventionGenetics, part of Exact Sciences
Classification: Pathogenic for RAF1-related condition. Last evaluated: 2023-01-11. Review status: criteria provided, single submitter. Criteria: ACMG Guidelines, 2015. Collection method: clinical testing. Allele origin: germline. Not counted in ClinVar's aggregate classification.
Comment: The RAF1 c.1837C>G variant is predicted to result in the amino acid substitution p.Leu613Val. This variant was reported in multiple individuals with Noonan syndrome and in at least one individual it was reported to be de novo (see for example - Razzaque et al. 2007. PubMed ID: 17603482; Chen et al. 2019. PubMed ID: 30732632). Functional studies demonstrate this variant results in increased p-MEK/ERK levels, consistent with a gain-of-function mechanism, resulting in hyperactivation of the RAS pathway (Razzaque et al. 2007. PubMed ID: 17603482). This variant has not been reported in a large population database, indicating this variant is rare. This variant is interpreted as pathogenic.

Blueprint Genetics
Classification: Pathogenic for RAF1-related disorders. Last evaluated: 2022-09-16. Review status: criteria provided, single submitter. Criteria: ACMG Guidelines, 2015. Collection method: clinical testing. Allele origin: germline. Affected: yes. Observed: 1 variant allele. Not counted in ClinVar's aggregate classification.

GeneDx
Classification: Pathogenic. Last evaluated: 2021-12-02. Review status: criteria provided, single submitter. Criteria: GeneDx Variant Classification Process June 2021. Collection method: clinical testing. Allele origin: germline. Affected: yes. Not counted in ClinVar's aggregate classification.
Comment: Reported in ClinVar as pathogenic by the ClinGen RASopathy Variant Curation Expert Panel (SCV000616381.3; ClinVar Variant ID# 13960; Lanrum et al., 2016); Functional studies of L613V-transfected cells indicate higher levels of RAF1 kinase activity, which results in higher levels of MEK and ERK activation compared to wild type (Razzaque et al., 2007; Pandit et al., 2007); Not observed in large population cohorts (gnomAD); Missense variants in this gene are often considered pathogenic (HGMD); In silico analysis supports that this missense variant has a deleterious effect on protein structure/function; This variant is associated with the following publications: (PMID: 17603483, 23093928, 17603482, 24803665, 30050098, 31017896, 30417923, 30732632, 29948256, 29907801, 31219622, 31560489, 34006472, 24957944, 9689060, 15520807, 29493581, 19020799)

ARUP Laboratories, Molecular Genetics and Genomics, ARUP Laboratories
Classification: Pathogenic. Last evaluated: 2021-05-12. Review status: criteria provided, single submitter. Criteria: ARUP Molecular Germline Variant Investigation Process 2021. Collection method: clinical testing. Allele origin: germline. Not counted in ClinVar's aggregate classification.
Comment: The RAF1, c.1837C>G; p.Leu613Val variant (rs80338797) is reported in the literature in multiple patients affected with familial and sporadic Noonan syndrome (Razzaque 2007, Kobayashi 2010, Denayer 2010) and LEOPARD syndrome (Pandit 2007), and is classified as pathogenic in ClinVar (Variation ID: 13960). This variant is absent from the Genome Aggregation Database, indicating it is not a common polymorphism. Functional characterization of the p.Leu613Val protein indicates a constitutive heterodimerization with endogenous BRAF (Ritt 2010). This leads to an over-activation of basal MEK and ERK signaling, which increases further upon growth factor stimulation (Razzaque 2007, Pandit 2007), consistent with the established disease mechanisms of Noonan syndrome. Based on available information, this variant is considered to be pathogenic. References: Denayer E et al. Tumor spectrum in children with Noonan syndrome and SOS1 or RAF1 mutations. Genes Chromosomes Cancer. 2010 Mar;49(3):242-52. PMID: 19953625. Kobayashi T et al. Molecular and clinical analysis of RAF1 in Noonan syndrome and related disorders: dephosphorylation of serine 259 as the essential mechanism for mutant activation. Hum Mutat. 2010 Mar;31(3):284-94. PMID: 20052757. Pandit B et al. Gain-of-function RAF1 mutations cause Noonan and LEOPARD syndromes with hypertrophic cardiomyopathy. Nat Genet. 2007 Aug;39(8):1007-12. PMID: 17603483. Razzaque MA et al. Germline gain-of-function mutations in RAF1 cause Noonan syndrome. Nat Genet. 2007 Aug;39(8):1013-7. PMID: 17603482. Ritt DA et al. Impact of feedback phosphorylation and Raf heterodimerization on normal and mutant B-Raf signaling. Mol Cell Biol. 2010 Feb;30(3):806-19. PMID: 19933846

Molecular Diagnostic Laboratory for Inherited Cardiovascular Disease, Montreal Heart Institute
Classification: Pathogenic for Hypertrophic cardiomyopathy 1. Last evaluated: 2019-12-30. Review status: criteria provided, single submitter. Criteria: ACMG Guidelines, 2015. Collection method: clinical testing. Allele origin: germline. Affected: yes. Not counted in ClinVar's aggregate classification.

Women's Health and Genetics/Laboratory Corporation of America, LabCorp
Classification: Pathogenic for Rasopathy. Last evaluated: 2018-12-11. Review status: criteria provided, single submitter. Criteria: LabCorp Variant Classification Summary - May 2015. Collection method: clinical testing. Allele origin: germline. Not counted in ClinVar's aggregate classification.
Comment: Variant summary: RAF1 c.1837C>G (p.Leu613Val) results in a conservative amino acid change in the encoded protein sequence. Three of five in-silico tools predict a benign effect of the variant on protein function. The variant was absent in 31346 control chromosomes (gnomAD and publications). The variant, c.1837C>G, has been reported in the literature in multiple individuals affected with Noonan Syndrome or Leopard Syndrome (Razzaque_2007, Pandit_2007, Denayer_2010, Kobayashi_2010, vanTrier_2018). These data indicate that the variant is very likely to be associated with disease. At least one publication reports experimental evidence showing higher levels of MEK and ERK phosphorylation associated with this variant (Razzaque_2007, Pandit_2007). Two ClinVar submissions from a FDA recognized database and a clinical diagnostic laboratory (evaluation after 2014) cite the variant as pathogenic. Based on the evidence outlined above, the variant was classified as pathogenic.

Laboratory for Molecular Medicine, Mass General Brigham Personalized Medicine
Classification: Pathogenic for Noonan syndrome; Noonan syndrome with multiple lentigines. Last evaluated: 2013-03-26. Review status: criteria provided, single submitter. Criteria: LMM Criteria. Collection method: clinical testing. Allele origin: germline. Observed: 2 variant alleles. Not counted in ClinVar's aggregate classification.
Comment: The Leu613Val variant in RAF1 has been associated with the clinical features of Noonan syndrome (Ciara 2009, Razzaque 2007, Denayer 2010, Kobayashi 2010) and LE OPARD syndrome (Pandit 2007). In addition, this variant has been reported to sho w familial segregation and to have occurred de novo. Individuals with pathogeni c variants in exon 7 or 17 in RAF1 have a high incidence of hypertrophic cardiom yopathy (80-95%, Razzaque 2007, Pandit 2007, E. Ciara 2009, Denayer 2010, Kobaya shi 2010). However, one study identified this variant in two individuals with No onan syndrome who did not have HCM (Razzaque 2007). In summary, this variant me ets our criteria to be classified as pathogenic based on familial segregation co mbined with observations that the variant has been observed de novo.

Beijing Key Laboratory for Genetic Research of Skeletal Deformity, Peking Union Medical College Hospital
Classification: Likely pathogenic for Noonan syndrome 5. Last evaluated: 2019-05-31. Review status: no assertion criteria provided. Collection method: research. Allele origin: unknown. Affected: yes. Not counted in ClinVar's aggregate classification.

OMIM
Classification: Pathogenic for LEOPARD SYNDROME 2. Last evaluated: 2007-08-01. Review status: no assertion criteria provided. Collection method: literature only. Allele origin: germline. Not counted in ClinVar's aggregate classification.

OMIM
Classification: Pathogenic for NOONAN SYNDROME 5. Last evaluated: 2007-08-01. Review status: no assertion criteria provided. Collection method: literature only. Allele origin: germline. Not counted in ClinVar's aggregate classification.

GeneReviews
No classification provided. Condition: Noonan syndrome with multiple lentigines. Review status: no classification provided. Collection method: literature only. Allele origin: unknown. Not counted in ClinVar's aggregate classification.

Literature cited by the submitters: PubMed 17603483 (cited by 6 submitters); PubMed 17603482 (cited by 6 submitters); PubMed 22826437 (cited by ClinGen RASopathy Variant Curation Expert Panel); PubMed 18241070 (cited by Labcorp Genetics (formerly Invitae), Labcorp and Women's Health and Genetics/Laboratory Corporation of America, LabCorp); PubMed 19953625 (cited by 3 submitters); PubMed 18505544 (cited by Women's Health and Genetics/Laboratory Corporation of America, LabCorp); PubMed 20052757 (cited by Women's Health and Genetics/Laboratory Corporation of America, LabCorp and Laboratory for Molecular Medicine, Mass General Brigham Personalized Medicine); PubMed 21339642 (cited by Women's Health and Genetics/Laboratory Corporation of America, LabCorp); PubMed 29948256 (cited by Women's Health and Genetics/Laboratory Corporation of America, LabCorp); PubMed 19933846 (cited by Laboratory for Molecular Medicine, Mass General Brigham Personalized Medicine); PubMed 20301557 (cited by GeneReviews); NCBI Bookshelf NBK1383 (cited by GeneReviews).